The following is an entry in ClinVar:

NM_021625.5(TRPV4):c.1565T>C (p.Val522Ala)

Gene: TRPV4 (transient receptor potential cation channel subfamily V member 4; minus strand). Cytogenetic location: 12q24.11.
Variant type: single nucleotide variant.
Coding change: c.1565T>C on transcript NM_021625.5 (MANE Select); coding-DNA position 1565, T replaced by C.
Protein change: p.Val522Ala; replaces valine 522 with alanine.
Molecular consequence: missense variant.
Genome position (GRCh38, 1-based): chr12:109,793,949, A>G on the plus strand (T>C on the coding strand, the complement: TRPV4 is on the minus strand). VCF-style: chr12-109793949-A-G. GRCh37 (hg19) VCF-style: chr12-110231754-A-G.
Other names: c.1424T>C, p.Val475Ala (NM_001177428.2); c.1463T>C, p.Val488Ala (NM_001177431.2); c.1244T>C, p.Val415Ala (NM_001177433.2); c.1385T>C, p.Val462Ala (NM_147204.3); short protein forms V415A, V462A, V475A, V488A, V522A.
Identifiers: ClinVar variation 3375938 (VCV003375938.2).

ClinVar aggregate classification (germline): Uncertain significance. Review status: criteria provided, multiple submitters, no conflicts (2 of 4 stars). 2 submissions from 2 submitters: Uncertain significance (2). Last evaluated 2025-05-04.

Conditions:
Inborn genetic diseases. Identifiers: MedGen C0950123, MeSH D030342.

gnomAD v4.1: 1 of 1,609,542 alleles (0.000062%); highest among the groups gnomAD compares: Non-Finnish European, 0.000085%; no homozygotes.

Submissions (2):

Ambry Genetics
Classification: Uncertain significance for Inborn genetic diseases. Last evaluated: 2025-05-04. Review status: criteria provided, single submitter. Criteria: Ambry Variant Classification Scheme 2023. Collection method: clinical testing. Allele origin: germline.

GeneDx
Classification: Uncertain significance. Last evaluated: 2024-05-10. Review status: criteria provided, single submitter. Criteria: GeneDx Variant Classification Process June 2021. Collection method: clinical testing. Allele origin: germline. Affected: yes.
Comment: Not observed at significant frequency in large population cohorts (gnomAD); In silico analysis indicates that this missense variant does not alter protein structure/function; Has not been previously published as pathogenic or benign to our knowledge